The following is an entry in ClinVar:

NM_004260.4(RECQL4):c.2112_2114del (p.Ile705del)

Gene: RECQL4 (RecQ like helicase 4; minus strand). Cytogenetic location: 8q24.3.
Variant type: Deletion.
Coding change: c.2112_2114del on transcript NM_004260.4 (MANE Select); coding-DNA positions 2112 to 2114, 3 bases deleted (CAT; older notation c.2112_2114delCAT).
Protein change: p.Ile705del; deletes isoleucine 705.
Molecular consequence: inframe deletion.
Genome position (GRCh38, 1-based): chr8:144,513,657-144,513,659, ATG deleted on the plus strand (CAT on the coding strand, the reverse complement: RECQL4 is on the minus strand); deleting any 3 consecutive bases within chr8:144,513,657-144,513,661 gives the same sequence; the c. name uses the placement nearest the transcript's 3' end. VCF-style (leftmost placement, unchanged base first): chr8-144513656-AATG-A. GRCh37 (hg19) VCF-style: chr8-145739040-AATG-A.
Other names: short protein forms I705del.
Identifiers: ClinVar variation 1358364 (VCV001358364.6), dbSNP rs770270259, ClinGen allele CA4948465.

ClinVar aggregate classification (germline): Uncertain significance (1 of 4 stars; one submission).

Conditions:
Baller-Gerold syndrome (BGS). Also called: CRANIOSYNOSTOSIS WITH RADIAL DEFECTS. Identifiers: Orphanet 1225, MedGen C0265308, MONDO:0009039, OMIM 218600.

Submission:

Labcorp Genetics (formerly Invitae), Labcorp
Classification: Uncertain significance for Baller-Gerold syndrome. Last evaluated: 2023-10-23. Review status: criteria provided, single submitter. Criteria: Invitae Variant Classification Sherloc (09022015). Collection method: clinical testing. Allele origin: germline.
Comment: This variant, c.2112_2114del, results in the deletion of 1 amino acid(s) of the RECQL4 protein (p.Ile705del), but otherwise preserves the integrity of the reading frame. This variant is not present in population databases (gnomAD no frequency). This variant has not been reported in the literature in individuals affected with RECQL4-related conditions. ClinVar contains an entry for this variant (Variation ID: 1358364). Experimental studies and prediction algorithms are not available or were not evaluated, and the functional significance of this variant is currently unknown. In summary, the available evidence is currently insufficient to determine the role of this variant in disease. Therefore, it has been classified as a Variant of Uncertain Significance.